The following is an entry in ClinVar:

NM_004595.5(SMS):c.625G>C (p.Val209Leu)

Gene: SMS (spermine synthase; plus strand). Cytogenetic location: Xp22.11.
Variant type: single nucleotide variant.
Coding change: c.625G>C on transcript NM_004595.5 (MANE Select); coding-DNA position 625, G replaced by C.
Protein change: p.Val209Leu; replaces valine 209 with leucine.
Molecular consequence: missense variant.
Genome position (GRCh38, 1-based): chrX:21,978,079, G>C. VCF-style: chrX-21978079-G-C. GRCh37 (hg19) VCF-style: chrX-21996197-G-C.
Other names: c.466G>C, p.Val156Leu (NM_001258423.2); short protein forms V156L, V209L.
Identifiers: ClinVar variation 1303843 (VCV001303843.2), dbSNP rs1490886759, ClinGen allele CA412568864.
Genomic context (GRCh38, chrX:21,978,079, plus strand): 5'-TACACTGGCAAAGATGTACTCATTCTGGGAGGTGGAGACGGAGGCATATTGTGTGAAATA[G>C]TCAAACTAAAACCAAAGATGGTCACTATGGTAGAGATATCCTTTGTTGTATAAGAGAACA-3'
Protein context (NP_004586.2, residues 199-219): GGDGGILCEI[Val209Leu]KLKPKMVTMV

ClinVar aggregate classification (germline): Uncertain significance (1 of 4 stars; one submission).

Allele frequency attached by ClinVar (database versions not stated): gnomAD exomes below 0.00001 and 0.00001; TOPMed 0.00001.
gnomAD v4.1: 3 of 1,210,140 alleles (0.00025%); highest among the groups gnomAD compares: Non-Finnish European, 0.00034%; no homozygotes.

Submission:

GeneDx
Classification: Uncertain significance. Last evaluated: 2019-11-21. Review status: criteria provided, single submitter. Criteria: GeneDx Variant Classification Process June 2021. Collection method: clinical testing. Allele origin: germline. Affected: yes.
Comment: In silico analysis, which includes protein predictors and evolutionary conservation, supports that this variant does not alter protein structure/function; Has not been previously published as pathogenic or benign to our knowledge; In-silico analysis, which includes splice predictors and evolutionary conservation, is inconclusive as to whether the variant alters gene splicing. In the absence of RNA/functional studies, the actual effect of this sequence change is unknown.